The following is an entry in ClinVar:

NM_000539.3(RHO):c.481T>C (p.Trp161Arg)

Gene: RHO (rhodopsin; plus strand). Cytogenetic location: 3q22.1.
Variant type: single nucleotide variant.
Coding change: c.481T>C on transcript NM_000539.3 (MANE Select); coding-DNA position 481, T replaced by C.
Protein change: p.Trp161Arg; replaces tryptophan 161 with arginine.
Molecular consequence: missense variant.
Genome position (GRCh38, 1-based): chr3:129,530,995, T>C. VCF-style: chr3-129530995-T-C. GRCh37 (hg19) VCF-style: chr3-129249838-T-C.
Other names: short protein forms W161R.
Identifiers: ClinVar variation 1491669 (VCV001491669.8), dbSNP rs2108749979, ClinGen allele CA354498501.

ClinVar aggregate classification (germline): Likely pathogenic (1 of 4 stars; one submission).

Submission:

Labcorp Genetics (formerly Invitae), Labcorp
Classification: Likely pathogenic. Last evaluated: 2021-04-24. Review status: criteria provided, single submitter. Criteria: Invitae Variant Classification Sherloc (09022015). Collection method: clinical testing. Allele origin: germline.
Comment: Advanced modeling of protein sequence and biophysical properties (such as structural, functional, and spatial information, amino acid conservation, physicochemical variation, residue mobility, and thermodynamic stability) performed at Invitae indicates that this missense variant is expected to disrupt RHO protein function. In summary, the currently available evidence indicates that the variant is pathogenic, but additional data are needed to prove that conclusively. Therefore, this variant has been classified as Likely Pathogenic. This variant has been observed in individual(s) with autosomal dominant retinitis pigmentosa (PMID: 24938718, Invitae). This variant is not present in population databases (ExAC no frequency). This sequence change replaces tryptophan with arginine at codon 161 of the RHO protein (p.Trp161Arg). The tryptophan residue is highly conserved and there is a moderate physicochemical difference between tryptophan and arginine.

Literature cited by the submitters: PubMed 24938718.